The following is an entry in ClinVar:

NM_000245.4(MET):c.690G>T (p.Thr230=)

Gene: MET (MET proto-oncogene, receptor tyrosine kinase; plus strand). Cytogenetic location: 7q31.2.
Variant type: single nucleotide variant.
Coding change: c.690G>T on transcript NM_000245.4 (MANE Select); coding-DNA position 690, G replaced by T.
Protein change: p.Thr230=; no amino-acid change (threonine 230 retained).
Molecular consequence: synonymous variant. On other transcripts: intron variant (1).
Genome position (GRCh38, 1-based): chr7:116,699,774, G>T. VCF-style: chr7-116699774-G-T. GRCh37 (hg19) VCF-style: chr7-116339828-G-T.
Other names: c.690G>T (NM_001127500.2); c.690G>T, p.Thr230= (NM_001127500.3, NM_001324401.3); c.-91+27197G>T (NM_001324402.2).
Identifiers: ClinVar variation 524911 (VCV000524911.16), dbSNP rs200138253, ClinGen allele CA4448017.

ClinVar aggregate classification (germline): Benign/Likely benign. Review status: criteria provided, multiple submitters, no conflicts (2 of 4 stars). 5 submissions from 5 submitters: Benign (1); Likely benign (4). Last evaluated 2026-02-25.

Conditions:
Papillary renal cell carcinoma type 1 (RCCP1). Also called: RENAL CELL CARCINOMA, PAPILLARY, 1, SOMATIC; Renal adenocarcinoma; Renal cell carcinoma 1; Renal cell carcinoma, somatic. Identifiers: Orphanet 47044, MedGen C1336839, OMIM 605074, HP:0011797.
MET-related disorder. Also called: MET-related condition.
Renal cell carcinoma. Identifiers: Orphanet 217071, MedGen C0007134, MeSH D002292, MONDO:0005086, HP:0005584.
Hereditary cancer-predisposing syndrome. Also called: Hereditary neoplastic syndrome; Hereditary Cancer Syndrome; Neoplastic Syndromes, Hereditary; Tumor predisposition. Identifiers: Orphanet 140162, MedGen C0027672, MeSH D009386, MONDO:0015356.

gnomAD v4.1: 1 of 1,613,894 alleles (0.000062%); highest among the groups gnomAD compares: African/African-American, 0.0013%; no homozygotes.

Submissions (5):

PreventionGenetics, part of Exact Sciences
Classification: Likely benign for MET-related condition. Last evaluated: 2026-02-25. Review status: criteria provided, single submitter. Criteria: ACMG Guidelines, 2015. Collection method: clinical testing. Allele origin: germline.
Comment: This variant is classified as likely benign based on ACMG/AMP sequence variant interpretation guidelines (Richards et al. 2015 PMID: 25741868, with internal and published modifications).

Labcorp Genetics (formerly Invitae), Labcorp
Classification: Likely benign for Renal cell carcinoma. Last evaluated: 2025-09-20. Review status: criteria provided, single submitter. Criteria: Invitae Variant Classification Sherloc (09022015). Collection method: clinical testing. Allele origin: germline.

Myriad Genetics, Inc.
Classification: Benign for Papillary renal cell carcinoma type 1. Last evaluated: 2024-11-06. Review status: criteria provided, single submitter. Criteria: Myriad Autosomal Dominant, Autosomal Recessive and X-Linked Classification Criteria (2023). Collection method: clinical testing. Allele origin: unknown.
Comment: This variant is considered benign. This variant is a silent/synonymous amino acid change and it is not expected to impact splicing.

Blueprint Genetics
Classification: Likely benign. Last evaluated: 2024-07-15. Review status: criteria provided, single submitter. Criteria: ACMG Guidelines, 2015. Collection method: clinical testing. Allele origin: germline.

Ambry Genetics
Classification: Likely benign for Hereditary cancer-predisposing syndrome. Last evaluated: 2019-12-18. Review status: criteria provided, single submitter. Criteria: Ambry Variant Classification Scheme 2023. Collection method: clinical testing. Allele origin: germline.